The following is an entry in ClinVar:

NM_017739.4(POMGNT1):c.1786-6C>T

Genes: POMGNT1 (protein O-linked mannose N-acetylglucosaminyltransferase 1 (beta 1,2-); minus strand), TSPAN1 (tetraspanin 1; plus strand). Cytogenetic location: 1p34.1.
Variant type: single nucleotide variant.
Coding change: c.1786-6C>T on transcript NM_017739.4 (MANE Select); 6 bases into the intron before coding-DNA position 1786, C replaced by T.
Molecular consequence: intron variant.
Genome position (GRCh38, 1-based): chr1:46,189,573, G>A on the plus strand (C>T on the coding strand, the complement: POMGNT1 is on the minus strand). VCF-style: chr1-46189573-G-A. GRCh37 (hg19) VCF-style: chr1-46655245-G-A.
Other names: c.1786-6C>T (NM_001243766.2, NM_001438686.1, NM_001438688.1 and 4 more transcripts); c.1720-6C>T (NM_001290129.3, NM_001438691.1, NM_001438692.1); c.1357-6C>T (NM_001290130.2).
Identifiers: ClinVar variation 497582 (VCV000497582.19), dbSNP rs202028128, ClinGen allele CA833227.

ClinVar aggregate classification (germline): Conflicting classifications of pathogenicity. Review status: criteria provided, conflicting classifications (1 of 4 stars). 6 submissions from 6 submitters: Uncertain significance (1); Likely benign (4). 1 of the submissions does not count toward it. Last evaluated 2026-06-01.

Conditions:
Muscle eye brain disease (MEB). Also called: Santavuori congenital muscular dystrophy. Identifiers: Orphanet 588, Orphanet 899, MedGen C0457133, MONDO:0018939.
POMGNT1-related disorder. Also called: POMGNT1-related disorders; POMGNT1-related condition. Identifiers: MedGen CN239299.
Autosomal recessive limb-girdle muscular dystrophy type 2O. Also called: Limb-Girdle Muscular Dystrophy Type 3C; MUSCULAR DYSTROPHY-DYSTROGLYCANOPATHY (LIMB-GIRDLE), TYPE C, 3; MUSCULAR DYSTROPHY-DYSTROGLYCANOPATHY, LIMB-GIRDLE, POMGNT1-RELATED. Identifiers: Orphanet 206564, MedGen C3150417, MONDO:0013161, OMIM 613157.
Muscular dystrophy-dystroglycanopathy (congenital with impaired intellectual development), type B, 3. Also called: Muscular dystrophy-dystroglycanopathy (congenital with intellectual disability), type B3; MUSCULAR DYSTROPHY, CONGENITAL, POMGNT1-RELATED. Identifiers: MedGen C3150412, MONDO:0013155, OMIM 613151.

Allele frequency attached by ClinVar (database versions not stated): ExAC 0.00009; gnomAD 0.00025 and 0.00024; TOPMed 0.00025; gnomAD exomes 0.00008 and 0.00002; ESP Exome Variant Server 0.00023; 1000 Genomes Project 30x 0.00031; 1000 Genomes Project 0.00040.
gnomAD v4.1: 69 of 1,608,618 alleles (0.0043%); highest among the groups gnomAD compares: African/African-American, 0.084%; no homozygotes.

Submissions (6):

PreventionGenetics, part of Exact Sciences
Classification: Likely benign for POMGNT1-related condition. Last evaluated: 2026-06-01. Review status: criteria provided, single submitter. Criteria: ACMG Guidelines, 2015. Collection method: clinical testing. Allele origin: germline.
Comment: This variant is classified as likely benign based on ACMG/AMP sequence variant interpretation guidelines (Richards et al. 2015 PMID: 25741868, with internal and published modifications).

Labcorp Genetics (formerly Invitae), Labcorp
Classification: Likely benign for Autosomal recessive limb-girdle muscular dystrophy type 2O; Muscular dystrophy-dystroglycanopathy (congenital with impaired intellectual development), type B, 3. Last evaluated: 2026-01-12. Review status: criteria provided, single submitter. Criteria: Invitae Variant Classification Sherloc (09022015). Collection method: clinical testing. Allele origin: germline.

Blueprint Genetics
Classification: Likely benign. Last evaluated: 2024-09-02. Review status: criteria provided, single submitter. Criteria: ACMG Guidelines, 2015. Collection method: clinical testing. Allele origin: germline.

Athena Diagnostics
Classification: Likely benign. Last evaluated: 2021-05-20. Review status: criteria provided, single submitter. Criteria: Athena Diagnostics criteria. Collection method: clinical testing. Allele origin: unknown.

Eurofins Ntd Llc (ga)
Classification: Uncertain significance. Last evaluated: 2016-10-04. Review status: criteria provided, single submitter. Criteria: EGL Classification Definitions 2015. Collection method: clinical testing. Allele origin: germline. Observed: 2 variant alleles, 2 heterozygotes.

Natera, Inc.
Classification: Likely benign for Muscle-eye-brain disease. Last evaluated: 2020-09-16. Review status: no assertion criteria provided. Collection method: clinical testing. Allele origin: germline. Not counted in ClinVar's aggregate classification.